The following is an entry in ClinVar:

ClinVar aggregate classification (germline): Likely benign (1 of 4 stars; one submission).

gnomAD v4.1: 5 of 1,210,589 alleles (0.00041%); highest among the groups gnomAD compares: South Asian, 0.007%; no homozygotes.

Submission:

Mayo Clinic Laboratories, Mayo Clinic
Classification: Likely benign. Last evaluated: 2025-09-18. Review status: criteria provided, single submitter. Criteria: ACMG Guidelines, 2015. Collection method: clinical testing. Allele origin: germline. Observed: 1 variant allele.
Comment: BP4, BP7, PM2_supporting

NM_001110556.2(FLNA):c.5601T>C (p.His1867=)

Gene: FLNA (filamin A; minus strand). Cytogenetic location: Xq28.
Variant type: single nucleotide variant.
Coding change: c.5601T>C on transcript NM_001110556.2 (MANE Select); coding-DNA position 5601, T replaced by C.
Protein change: p.His1867=; no amino-acid change (histidine 1867 retained).
Molecular consequence: synonymous variant.
Genome position (GRCh38, 1-based): chrX:154,354,000, A>G on the plus strand (T>C on the coding strand, the complement: FLNA is on the minus strand). VCF-style: chrX-154354000-A-G. GRCh37 (hg19) VCF-style: chrX-153582368-A-G.
Other names: p.His1859=; c.5577T>C, p.His1859= (NM_001456.4).
Identifiers: ClinVar variation 4684543 (VCV004684543.1).
Genomic context (GRCh38, chrX:154,354,000, plus strand): 5'-GGTGAAGGTGGCAGGCTTGTTCACTACTCCATGGGTGAGGCCAGGCCCATAGGCAGTGAC[A>G]TGGCCACAGTTGACGTAATCCACATAGAACTGCAAGGGGCTTCCTGAGGCAGGAAGAAGG-3'
Protein context (NP_001104026.1, residues 1857-1877): QFYVDYVNCG[His1867=]VTAYGPGLTH